The following is an entry in ClinVar:

NM_001184.4(ATR):c.5380+121C>A

Gene: ATR (ATR checkpoint kinase; minus strand). Cytogenetic location: 3q23.
Variant type: single nucleotide variant.
Coding change: c.5380+121C>A on transcript NM_001184.4 (MANE Select); 121 bases into the intron after coding-DNA position 5380, C replaced by A.
Molecular consequence: intron variant.
Genome position (GRCh38, 1-based): chr3:142,499,506, G>T on the plus strand (C>A on the coding strand, the complement: ATR is on the minus strand). VCF-style: chr3-142499506-G-T. GRCh37 (hg19) VCF-style: chr3-142218348-G-T.
Other names: c.5188+121C>A (NM_001354579.2).
Identifiers: ClinVar variation 678211 (VCV000678211.1), dbSNP rs11927681, ClinGen allele CA11484222.

ClinVar aggregate classification (germline): Benign (1 of 4 stars; one submission).

Allele frequency attached by ClinVar (database versions not stated): 1000 Genomes Project 30x 0.04091; 1000 Genomes Project 0.04093; gnomAD 0.06758 and 0.07056; TOPMed 0.07207; gnomAD exomes 0.08484.
gnomAD v4.1: 69,045 of 841,482 alleles (8.2%); highest among the groups gnomAD compares: Middle Eastern, 13%; 3,587 homozygotes.

Submission:

GeneDx
Classification: Benign. Last evaluated: 2018-06-16. Review status: criteria provided, single submitter. Criteria: GeneDx Variant Classification (06012015). Collection method: clinical testing. Allele origin: germline. Affected: yes.
Comment: This variant is considered likely benign or benign based on one or more of the following criteria: it is a conservative change, it occurs at a poorly conserved position in the protein, it is predicted to be benign by multiple in silico algorithms, and/or has population frequency not consistent with disease.